The following is an entry in ClinVar:

NM_001142800.2(EYS):c.5366C>T (p.Thr1789Ile)

Gene: EYS (eyes shut homolog; minus strand). Cytogenetic location: 6q12.
Variant type: single nucleotide variant.
Coding change: c.5366C>T on transcript NM_001142800.2 (MANE Select); coding-DNA position 5366, C replaced by T.
Protein change: p.Thr1789Ile; replaces threonine 1789 with isoleucine.
Molecular consequence: missense variant.
Genome position (GRCh38, 1-based): chr6:64,590,501, G>A on the plus strand (C>T on the coding strand, the complement: EYS is on the minus strand). VCF-style: chr6-64590501-G-A. GRCh37 (hg19) VCF-style: chr6-65300394-G-A.
Other names: c.5366C>T, p.Thr1789Ile (NM_001292009.2); short protein forms T1789I.
Identifiers: ClinVar variation 1348832 (VCV001348832.5), dbSNP rs2149831184, ClinGen allele CA364781256.

ClinVar aggregate classification (germline): Uncertain significance (1 of 4 stars; one submission).

gnomAD v4.1: 1 of 1,551,444 alleles (0.000064%); highest among the groups gnomAD compares: Non-Finnish European, 0.000087%; no homozygotes.

Submission:

Labcorp Genetics (formerly Invitae), Labcorp
Classification: Uncertain significance. Last evaluated: 2022-01-19. Review status: criteria provided, single submitter. Criteria: Invitae Variant Classification Sherloc (09022015). Collection method: clinical testing. Allele origin: germline.
Comment: This sequence change replaces threonine, which is neutral and polar, with isoleucine, which is neutral and non-polar, at codon 1789 of the EYS protein (p.Thr1789Ile). This variant is not present in population databases (gnomAD no frequency). This variant has not been reported in the literature in individuals affected with EYS-related conditions. Algorithms developed to predict the effect of missense changes on protein structure and function are either unavailable or do not agree on the potential impact of this missense change (SIFT: "Deleterious"; PolyPhen-2: "Benign"; Align-GVGD: "Class C15"). In summary, the available evidence is currently insufficient to determine the role of this variant in disease. Therefore, it has been classified as a Variant of Uncertain Significance.